The following is an entry in ClinVar:

ClinVar aggregate classification (germline): Uncertain significance. Review status: criteria provided, multiple submitters, no conflicts (2 of 4 stars). 2 submissions from 2 submitters: Uncertain significance (2). Last evaluated 2025-01-03.

Allele frequency attached by ClinVar (database versions not stated): gnomAD 0.00001.
gnomAD v4.1: 1 of 1,613,838 alleles (0.000062%); highest among the groups gnomAD compares: African/African-American, 0.0013%; no homozygotes.

Submissions (2):

GeneDx
Classification: Uncertain significance. Last evaluated: 2025-01-03. Review status: criteria provided, single submitter. Criteria: GeneDx Variant Classification Process June 2021. Collection method: clinical testing. Allele origin: germline. Affected: yes.
Comment: In silico analysis supports that this missense variant does not alter protein structure/function; Has not been previously published as pathogenic or benign to our knowledge

Labcorp Genetics (formerly Invitae), Labcorp
Classification: Uncertain significance. Last evaluated: 2024-01-15. Review status: criteria provided, single submitter. Criteria: Invitae Variant Classification Sherloc (09022015). Collection method: clinical testing. Allele origin: germline.
Comment: This sequence change replaces serine, which is neutral and polar, with cysteine, which is neutral and slightly polar, at codon 1260 of the SETD5 protein (p.Ser1260Cys). This variant is present in population databases (no rsID available, gnomAD 0.02%). This variant has not been reported in the literature in individuals affected with SETD5-related conditions. ClinVar contains an entry for this variant (Variation ID: 1207215). Advanced modeling of protein sequence and biophysical properties (such as structural, functional, and spatial information, amino acid conservation, physicochemical variation, residue mobility, and thermodynamic stability) performed at Invitae indicates that this missense variant is expected to disrupt SETD5 protein function with a positive predictive value of 80%. In summary, the available evidence is currently insufficient to determine the role of this variant in disease. Therefore, it has been classified as a Variant of Uncertain Significance.

NM_001080517.3(SETD5):c.3779C>G (p.Ser1260Cys)

Gene: SETD5 (SET domain containing 5; plus strand). Cytogenetic location: 3p25.3.
Variant type: single nucleotide variant.
Coding change: c.3779C>G on transcript NM_001080517.3 (MANE Select); coding-DNA position 3779, C replaced by G.
Protein change: p.Ser1260Cys; replaces serine 1260 with cysteine.
Molecular consequence: missense variant.
Genome position (GRCh38, 1-based): chr3:9,475,541, C>G. VCF-style: chr3-9475541-C-G. GRCh37 (hg19) VCF-style: chr3-9517225-C-G.
Other names: c.3485C>G, p.Ser1162Cys (NM_001292043.2, NM_001349451.2); short protein forms S1162C, S1260C.
Identifiers: ClinVar variation 1207215 (VCV001207215.9), dbSNP rs1265829808, ClinGen allele CA351690927.